The following is an entry in ClinVar:

ClinVar aggregate classification (germline): Likely benign. Review status: criteria provided, multiple submitters, no conflicts (2 of 4 stars). 2 submissions from 2 submitters: Likely benign (2). Last evaluated 2024-10-10.

Conditions:
Hereditary diffuse gastric adenocarcinoma (HDGC). Also called: DIFFUSE GASTRIC AND LOBULAR BREAST CANCER SYNDROME. Identifiers: Orphanet 26106, MedGen C1708349, MONDO:0007648, OMIM 137215.

gnomAD v4.1: 1 of 1,578,998 alleles (0.000063%); highest among the groups gnomAD compares: Non-Finnish European, 0.000086%; no homozygotes.

Submissions (2):

Myriad Genetics, Inc.
Classification: Likely benign for Hereditary diffuse gastric adenocarcinoma. Last evaluated: 2024-10-10. Review status: criteria provided, single submitter. Criteria: Myriad Autosomal Dominant, Autosomal Recessive and X-Linked Classification Criteria (2023). Collection method: clinical testing. Allele origin: unknown.
Comment: This variant is considered likely benign. This variant is intronic and is not expected to impact mRNA splicing.

Labcorp Genetics (formerly Invitae), Labcorp
Classification: Likely benign. Last evaluated: 2023-05-19. Review status: criteria provided, single submitter. Criteria: Invitae Variant Classification Sherloc (09022015). Collection method: clinical testing. Allele origin: germline.

NM_001903.5(CTNNA1):c.1143+8G>T

Gene: CTNNA1 (catenin alpha 1; plus strand). Cytogenetic location: 5q31.2.
Variant type: single nucleotide variant.
Coding change: c.1143+8G>T on transcript NM_001903.5 (MANE Select); 8 bases into the intron after coding-DNA position 1143, G replaced by T.
Molecular consequence: intron variant.
Genome position (GRCh38, 1-based): chr5:138,886,300, G>T. VCF-style: chr5-138886300-G-T. GRCh37 (hg19) VCF-style: chr5-138221989-G-T.
Other names: c.1143+8G>T (NM_001323982.2, NM_001323984.2, NM_001290307.3 and 3 more transcripts); c.774+8G>T (NM_001290310.3); c.834+8G>T (NM_001290309.3); c.33+8G>T (NM_001323996.1, NM_001323993.1, NM_001324005.1 and 18 more transcripts); c.-365+8G>T (NM_001324007.1, NM_001324009.1, NM_001324006.1 and 1 more transcripts); c.-240+8G>T (NM_001324013.1); c.-58+10703G>T (NM_001324012.1); c.-61+10703G>T (NM_001324010.1).
Identifiers: ClinVar variation 1621662 (VCV001621662.9), dbSNP rs288028, ClinGen allele CA2573139312.